The following is an entry in ClinVar:

ClinVar aggregate classification (germline): Uncertain significance (1 of 4 stars; one submission).

Submission:

CeGaT Center for Human Genetics Tuebingen
Classification: Uncertain significance. Last evaluated: 2026-08-01. Review status: criteria provided, single submitter. Criteria: CeGaT Center For Human Genetics Tuebingen Variant Classification Criteria Version 2. Collection method: clinical testing. Allele origin: germline. Affected: yes. Observed: 1 variant allele.
Comment: TTN: PM2, BP4

NM_001267550.2(TTN):c.11311+5444A>C

Genes: TTN (titin; minus strand), LOC126806432 (CDK7 strongly-dependent group 2 enhancer GRCh37_chr2:179611985-179613184; plus strand). Cytogenetic location: 2q31.2.
Variant type: single nucleotide variant.
Coding change: c.11311+5444A>C on transcript NM_001267550.2 (MANE Select); 5444 bases into the intron after coding-DNA position 11311, A replaced by C.
Molecular consequence: intron variant. On other transcripts: missense variant (1).
Genome position (GRCh38, 1-based): chr2:178,747,680, T>G on the plus strand (A>C on the coding strand, the complement: TTN is on the minus strand). VCF-style: chr2-178747680-T-G. GRCh37 (hg19) VCF-style: chr2-179612407-T-G.
Other names: c.10798+5444A>C (NM_133437.4); c.10597+5444A>C (NM_133432.3); c.10360+5444A>C (NM_133378.4, NM_001256850.1); c.14720A>C, p.Gln4907Pro (NM_133379.5); c.10222+5444A>C (NM_003319.4); short protein forms Q4907P.
Identifiers: ClinVar variation 5040693 (VCV005040693.1).